The following is an entry in ClinVar:

ClinVar aggregate classification (germline): Uncertain significance. Review status: criteria provided, multiple submitters, no conflicts (2 of 4 stars). 5 submissions from 4 submitters: Uncertain significance (5). Last evaluated 2026-07-20.

Conditions:
CYP4V2-related disorder. Also called: CYP4V2-related disorders; CYP4V2-related condition.
Bietti crystalline corneoretinal dystrophy (BCD). Also called: BIETTI TAPETORETINAL DEGENERATION WITH MARGINAL CORNEAL DYSTROPHY; Bietti Crystalline Dystrophy. Identifiers: Orphanet 41751, MedGen C1859486, MONDO:0008865, OMIM 210370.
Corneal dystrophy. Identifiers: Orphanet 34533, MedGen C0010036, MONDO:0018102, HP:0001131.

Allele frequency attached by ClinVar (database versions not stated): 1000 Genomes Project 30x 0.00031; 1000 Genomes Project 0.00040; TOPMed 0.00007; ESP Exome Variant Server 0.00008; gnomAD exomes 0.00010 and 0.00015; gnomAD 0.00006 and 0.00007; ExAC 0.00007.

Submissions (5):

PreventionGenetics, part of Exact Sciences
Classification: Uncertain significance for CYP4V2-related condition. Last evaluated: 2026-07-20. Review status: criteria provided, single submitter. Criteria: ACMG Guidelines, 2015. Collection method: clinical testing. Allele origin: germline.
Comment: The CYP4V2 c.1339G>A variant is predicted to result in the amino acid substitution p.Glu447Lys. To our knowledge, this variant has not been reported in the literature. This variant is reported in 0.015% of alleles in individuals of European (Non-Finnish) descent in gnomAD. At this time, the clinical significance of this variant is uncertain due to the absence of conclusive functional and genetic evidence.

Blueprint Genetics
Classification: Uncertain significance. Last evaluated: 2024-07-11. Review status: criteria provided, single submitter. Criteria: ACMG Guidelines, 2015. Collection method: clinical testing. Allele origin: germline.

Labcorp Genetics (formerly Invitae), Labcorp
Classification: Uncertain significance. Last evaluated: 2024-01-24. Review status: criteria provided, single submitter. Criteria: Invitae Variant Classification Sherloc (09022015). Collection method: clinical testing. Allele origin: germline.
Comment: This sequence change replaces glutamic acid, which is acidic and polar, with lysine, which is basic and polar, at codon 447 of the CYP4V2 protein (p.Glu447Lys). This variant is present in population databases (rs200623218, gnomAD 0.01%). This variant has not been reported in the literature in individuals affected with CYP4V2-related conditions. ClinVar contains an entry for this variant (Variation ID: 348313). Advanced modeling of protein sequence and biophysical properties (such as structural, functional, and spatial information, amino acid conservation, physicochemical variation, residue mobility, and thermodynamic stability) performed at Invitae indicates that this missense variant is not expected to disrupt CYP4V2 protein function with a negative predictive value of 80%. In summary, the available evidence is currently insufficient to determine the role of this variant in disease. Therefore, it has been classified as a Variant of Uncertain Significance.

Illumina Laboratory Services, Illumina
Classification: Uncertain significance for Bietti crystalline corneoretinal dystrophy. Last evaluated: 2018-01-13. Review status: criteria provided, single submitter. Criteria: ICSL Variant Classification Criteria 13 December 2019. Collection method: clinical testing. Allele origin: germline.

Illumina Laboratory Services, Illumina
Classification: Uncertain significance for Corneal dystrophy. Last evaluated: 2018-01-13. Review status: criteria provided, single submitter. Criteria: ICSL Variant Classification Criteria 13 December 2019. Collection method: clinical testing. Allele origin: germline.

NM_207352.4(CYP4V2):c.1339G>A (p.Glu447Lys)

Gene: CYP4V2 (cytochrome P450 family 4 subfamily V member 2; plus strand). Cytogenetic location: 4q35.2.
Variant type: single nucleotide variant.
Coding change: c.1339G>A on transcript NM_207352.4 (MANE Select); coding-DNA position 1339, G replaced by A.
Protein change: p.Glu447Lys; replaces glutamic acid 447 with lysine.
Molecular consequence: missense variant.
Genome position (GRCh38, 1-based): chr4:186,209,206, G>A. VCF-style: chr4-186209206-G-A. GRCh37 (hg19) VCF-style: chr4-187130360-G-A.
Other names: short protein forms E447K.
Identifiers: ClinVar variation 348313 (VCV000348313.12), dbSNP rs200623218, ClinGen allele CA3162835.